The following is an entry in ClinVar:

ClinVar aggregate classification (germline): Uncertain significance (1 of 4 stars; one submission).

Allele frequency attached by ClinVar (database versions not stated): gnomAD exomes below 0.00001.
gnomAD v4.1: 5 of 1,614,158 alleles (0.00031%); highest among the groups gnomAD compares: Non-Finnish European, 0.00034%; no homozygotes.

Submission:

Labcorp Genetics (formerly Invitae), Labcorp
Classification: Uncertain significance. Last evaluated: 2024-03-29. Review status: criteria provided, single submitter. Criteria: Invitae Variant Classification Sherloc (09022015). Collection method: clinical testing. Allele origin: germline.
Comment: This sequence change replaces glutamine, which is neutral and polar, with arginine, which is basic and polar, at codon 819 of the ALPK3 protein (p.Gln819Arg). This variant is not present in population databases (gnomAD no frequency). This variant has not been reported in the literature in individuals affected with ALPK3-related conditions. Algorithms developed to predict the effect of missense changes on protein structure and function output the following: SIFT: "Not Available"; PolyPhen-2: "Benign"; Align-GVGD: "Not Available". The arginine amino acid residue is found in multiple mammalian species, which suggests that this missense change does not adversely affect protein function. In summary, the available evidence is currently insufficient to determine the role of this variant in disease. Therefore, it has been classified as a Variant of Uncertain Significance.

NM_020778.5(ALPK3):c.1850A>G (p.Gln617Arg)

Gene: ALPK3 (alpha kinase 3; plus strand). Cytogenetic location: 15q25.3.
Variant type: single nucleotide variant.
Coding change: c.1850A>G on transcript NM_020778.5 (MANE Select); coding-DNA position 1850, A replaced by G.
Protein change: p.Gln617Arg; replaces glutamine 617 with arginine.
Molecular consequence: missense variant.
Genome position (GRCh38, 1-based): chr15:84,856,588, A>G. VCF-style: chr15-84856588-A-G. GRCh37 (hg19) VCF-style: chr15-85399819-A-G.
Other names: short protein forms Q617R.
Identifiers: ClinVar variation 2807507 (VCV002807507.3), dbSNP rs902710450, ClinGen allele CA273623700.
Genomic context (GRCh38, chr15:84,856,588, plus strand): 5'-GAACATCTGCTAACCAGAGAACTGGAAGCAAGAAGAATGTGCAGGCAGATGGGAAGATAC[A>G]AGTGGATGGAAGGACCAGGGGAGATGGAACACAGACAGCCCAGAGGACACGTGCAGATAG-3'
Protein context (NP_065829.4, residues 607-627): KKNVQADGKI[Gln617Arg]VDGRTRGDGT